The following is an entry in ClinVar:

ClinVar aggregate classification (germline): Uncertain significance. Review status: criteria provided, multiple submitters, no conflicts (2 of 4 stars). 3 submissions from 3 submitters: Uncertain significance (3). Last evaluated 2025-12-01.

Conditions:
Hereditary cancer-predisposing syndrome. Also called: Hereditary Cancer Syndrome; Hereditary neoplastic syndrome; Neoplastic Syndromes, Hereditary; Tumor predisposition. Identifiers: Orphanet 140162, MedGen C0027672, MeSH D009386, MONDO:0015356.
Retinoblastoma (RB1). Also called: RETINOBLASTOMA, SOMATIC. Identifiers: Orphanet 790, MedGen C0035335, MeSH D012175, MONDO:0008380, OMIM 180200, HP:0009919. Disease mechanism: loss of function. Inheritance: Both sporadic and heritable forms are tested..

Submissions (3):

Labcorp Genetics (formerly Invitae), Labcorp
Classification: Uncertain significance for Retinoblastoma. Last evaluated: 2025-12-01. Review status: criteria provided, single submitter. Criteria: Invitae Variant Classification Sherloc (09022015). Collection method: clinical testing. Allele origin: germline.
Comment: This sequence change replaces lysine, which is basic and polar, with glutamic acid, which is acidic and polar, at codon 240 of the RB1 protein (p.Lys240Glu). This variant is not present in population databases (gnomAD no frequency). This variant has not been reported in the literature in individuals affected with RB1-related conditions. ClinVar contains an entry for this variant (Variation ID: 1062555). An algorithm developed to predict the effect of missense changes on protein structure and function (PolyPhen-2) suggests that this variant is likely to be tolerated. In summary, the available evidence is currently insufficient to determine the role of this variant in disease. Therefore, it has been classified as a Variant of Uncertain Significance.

Ambry Genetics
Classification: Uncertain significance for Hereditary cancer-predisposing syndrome. Last evaluated: 2025-11-21. Review status: criteria provided, single submitter. Criteria: Ambry Variant Classification Scheme 2023. Collection method: clinical testing. Allele origin: germline.
Comment: The c.718A>G variant (also known as p.K240E), located in coding exon 7 of the RB1 gene, results from an A to G substitution at nucleotide position 718. The amino acid change results in lysine to glutamic acid at codon 240, an amino acid with similar properties. However, this change occurs in the last base pair of coding exon 7, which makes it likely to have some effect on normal mRNA splicing. This nucleotide position is highly conserved in available vertebrate species. This amino acid position is well conserved in available vertebrate species. In silico splice site analysis predicts that this alteration will not have any significant effect on splicing. In addition, the in silico prediction for this alteration is inconclusive. Based on the available evidence, the clinical significance of this variant remains unclear.

GeneDx
Classification: Uncertain significance. Last evaluated: 2024-04-16. Review status: criteria provided, single submitter. Criteria: GeneDx Variant Classification Process June 2021. Collection method: clinical testing. Allele origin: germline. Affected: yes.
Comment: Not observed at significant frequency in large population cohorts (gnomAD); In silico analysis indicates that this missense variant does not alter protein structure/function; Has not been previously published as pathogenic or benign to our knowledge; This variant is associated with the following publications: (PMID: 23516486)

NM_000321.3(RB1):c.718A>G (p.Lys240Glu)

Gene: RB1 (RB transcriptional corepressor 1; plus strand). Cytogenetic location: 13q14.2.
Variant type: single nucleotide variant.
Coding change: c.718A>G on transcript NM_000321.3 (MANE Select); coding-DNA position 718, A replaced by G.
Protein change: p.Lys240Glu; replaces lysine 240 with glutamic acid.
Molecular consequence: missense variant.
Genome position (GRCh38, 1-based): chr13:48,360,127, A>G. VCF-style: chr13-48360127-A-G. GRCh37 (hg19) VCF-style: chr13-48934263-A-G.
Other names: short protein forms K240E.
Identifiers: ClinVar variation 1062555 (VCV001062555.11), dbSNP rs2138108056, ClinGen allele CA388158724.
Genomic context (GRCh38, chr13:48,360,127, plus strand): 5'-CTATGTGTCCTTGACTATTTTATTAAACTCTCACCTCCCATGTTGCTCAAAGAACCATAT[A>G]GTAAGTATTTAATTTATGCCCCTTTTACTTTCTCATTCAGCAGTTGCTTATTGAATGTCT-3'
Protein context (NP_000312.2, residues 230-250): SPPMLLKEPY[Lys240Glu]TAVIPINGSP